The following is an entry in ClinVar:

NM_001277313.2(FMN1):c.1860A>G (p.Ser620=)

Gene: FMN1 (formin 1; minus strand). Cytogenetic location: 15q13.3.
Variant type: single nucleotide variant.
Coding change: c.1860A>G on transcript NM_001277313.2 (MANE Select); coding-DNA position 1860, A replaced by G.
Protein change: p.Ser620=; no amino-acid change (serine 620 retained).
Molecular consequence: synonymous variant.
Genome position (GRCh38, 1-based): chr15:33,153,055, T>C on the plus strand (A>G on the coding strand, the complement: FMN1 is on the minus strand). VCF-style: chr15-33153055-T-C. GRCh37 (hg19) VCF-style: chr15-33445256-T-C.
Other names: c.1860A>G, p.Ser620= (NM_001277314.2).
Identifiers: ClinVar variation 2992288 (VCV002992288.3), dbSNP rs1595572470, ClinGen allele CA489537374.

ClinVar aggregate classification (germline): Uncertain significance (1 of 4 stars; one submission).

Allele frequency attached by ClinVar (database versions not stated): gnomAD exomes below 0.00001.
gnomAD v4.1: 3 of 1,518,564 alleles (0.0002%); highest among the groups gnomAD compares: Non-Finnish European, 0.00018%; no homozygotes.

Submission:

Labcorp Genetics (formerly Invitae), Labcorp
Classification: Uncertain significance. Last evaluated: 2024-01-03. Review status: criteria provided, single submitter. Criteria: Invitae Variant Classification Sherloc (09022015). Collection method: clinical testing. Allele origin: germline.
Comment: The FMN1 gene has multiple clinically relevant transcripts. This variant occurs in alternate transcript NM_001277314.1, and corresponds to NM_001103184.3:c.-85171A>G in the primary transcript. This sequence change affects codon 620 of the FMN1 mRNA. It is a 'silent' change, meaning that it does not change the encoded amino acid sequence of the FMN1 protein. This variant is not present in population databases (gnomAD no frequency). This variant has not been reported in the literature in individuals affected with FMN1-related conditions. Experimental studies and prediction algorithms are not available or were not evaluated, and the effect of this variant on mRNA splicing is currently unknown. In summary, the available evidence is currently insufficient to determine the role of this variant in disease. Therefore, it has been classified as a Variant of Uncertain Significance.